The following is an entry in ClinVar:

NM_000168.6(GLI3):c.680-14_680-13del

Gene: GLI3 (GLI family zinc finger 3; minus strand). Cytogenetic location: 7p14.1.
Variant type: Deletion.
Coding change: c.680-14_680-13del on transcript NM_000168.6 (MANE Select); 14 bases into the intron before coding-DNA position 680 through 13 bases into the intron before coding-DNA position 680, 2 bases deleted (TT; older notation c.680-14_680-13delTT).
Molecular consequence: intron variant.
Genome position (GRCh38, 1-based): chr7:42,045,543-42,045,544, AA deleted on the plus strand (TT on the coding strand, the reverse complement: GLI3 is on the minus strand). VCF-style (leftmost placement, unchanged base first): chr7-42045542-CAA-C. GRCh37 (hg19) VCF-style: chr7-42085141-CAA-C.
Identifiers: ClinVar variation 680459 (VCV000680459.2), dbSNP rs759633765, ClinGen allele CA4231089.
Genomic context (GRCh38, chr7:42,045,542, plus strand): 5'-AGGGCCATCTGATGATAGTATTCTGCTGGGCTGACTCCTGCATGGGGCGCTAGGAGGAGA[CAA>C]GAGATGTATGGTTACTAGCGAAAGAAGGTCAACTAGAAGTTTCTCTTGAGGCATCTCAGA-3'

ClinVar aggregate classification (germline): Likely benign. Review status: criteria provided, multiple submitters, no conflicts (2 of 4 stars). 2 submissions from 2 submitters: Likely benign (2). Last evaluated 2025-09-10.

Conditions:
Pallister-Hall syndrome (PHS). Also called: HYPOTHALAMIC HAMARTOBLASTOMA, HYPOPITUITARISM, IMPERFORATE ANUS, AND POSTAXIAL POLYDACTYLY; GLI3-Related Pallister-Hall Syndrome. Identifiers: Orphanet 672, MedGen C0265220, MONDO:0007804, OMIM 146510.
Greig cephalopolysyndactyly syndrome (GCPS). Also called: GLI3-Related Greig Cephalopolysyndactyly Syndrome; POLYSYNDACTYLY WITH PECULIAR SKULL SHAPE; Greig syndrome. Identifiers: Orphanet 380, MedGen C0265306, MONDO:0008287, OMIM 175700.

Allele frequency attached by ClinVar (database versions not stated): gnomAD exomes below 0.00001 and 0.00001; ExAC 0.00001; gnomAD 0.00001.

Submissions (2):

Labcorp Genetics (formerly Invitae), Labcorp
Classification: Likely benign for Pallister-Hall syndrome; Greig cephalopolysyndactyly syndrome. Last evaluated: 2025-09-10. Review status: criteria provided, single submitter. Criteria: Invitae Variant Classification Sherloc (09022015). Collection method: clinical testing. Allele origin: germline.

GeneDx
Classification: Likely benign. Last evaluated: 2018-03-19. Review status: criteria provided, single submitter. Criteria: GeneDx Variant Classification (06012015). Collection method: clinical testing. Allele origin: germline. Affected: yes.
Comment: This variant is considered likely benign or benign based on one or more of the following criteria: it is a conservative change, it occurs at a poorly conserved position in the protein, it is predicted to be benign by multiple in silico algorithms, and/or has population frequency not consistent with disease.